The following is an entry in ClinVar:

ClinVar aggregate classification (germline): Conflicting classifications of pathogenicity. Review status: criteria provided, conflicting classifications (1 of 4 stars). 2 submissions from 2 submitters: Uncertain significance (1); Likely benign (1). Last evaluated 2026-03-31.

Conditions:
Bent bone dysplasia syndrome 2 (BBDS2). Identifiers: MedGen C5774233, MONDO:0859573, OMIM 620076.

gnomAD v4.1: 16 of 1,547,672 alleles (0.001%); highest among the groups gnomAD compares: East Asian, 0.022%; no homozygotes.

Submissions (2):

Centre for Medical Genetics,  Mumbai
Classification: Likely benign for Bent bone dysplasia syndrome 2. Last evaluated: 2026-03-31. Review status: criteria provided, single submitter. Criteria: ACMG Guidelines, 2015. Collection method: provider interpretation. Allele origin: germline. Inheritance: Autosomal recessive inheritance. Affected: no. Observed: 1 variant allele, 1 homozygote.
Comment: The variant satisfies PM2 criteria; Extremely low frequency in gnomAD population databases. However, the variant satisfies BS2 criteria; present in homozygous state in an individual that clinically does not have bent bone dysplasia syndrome.

Blueprint Genetics
Classification: Uncertain significance. Last evaluated: 2023-06-08. Review status: criteria provided, single submitter. Criteria: ACMG Guidelines, 2015. Collection method: clinical testing. Allele origin: germline.

Literature cited by the submitters: PubMed 33242826 (cited by Centre for Medical Genetics,  Mumbai).

NM_005560.6(LAMA5):c.2503G>A (p.Gly835Ser)

Gene: LAMA5 (laminin subunit alpha 5; minus strand). Cytogenetic location: 20q13.33.
Variant type: single nucleotide variant.
Coding change: c.2503G>A on transcript NM_005560.6 (MANE Select); coding-DNA position 2503, G replaced by A.
Protein change: p.Gly835Ser; replaces glycine 835 with serine.
Molecular consequence: missense variant.
Genome position (GRCh38, 1-based): chr20:62,334,601, C>T on the plus strand (G>A on the coding strand, the complement: LAMA5 is on the minus strand). VCF-style: chr20-62334601-C-T. GRCh37 (hg19) VCF-style: chr20-60909657-C-T.
Other names: short protein forms G835S.
Identifiers: ClinVar variation 4850493 (VCV004850493.2).